The following is an entry in ClinVar:

NM_000045.4(ARG1):c.196A>G (p.Ile66Val)

Genes: ARG1 (arginase 1; plus strand), MED23 (mediator complex subunit 23; minus strand). Cytogenetic location: 6q23.2.
Variant type: single nucleotide variant.
Coding change: c.196A>G on transcript NM_000045.4 (MANE Select); coding-DNA position 196, A replaced by G.
Protein change: p.Ile66Val; replaces isoleucine 66 with valine.
Molecular consequence: missense variant. On other transcripts: non-coding transcript variant (1), intron variant (2).
Genome position (GRCh38, 1-based): chr6:131,579,176, A>G. VCF-style: chr6-131579176-A-G. GRCh37 (hg19) VCF-style: chr6-131900316-A-G.
Other names: p.Ile66Val; c.220A>G, p.Ile74Val (NM_001244438.2); c.196A>G, p.Ile66Val (NM_001369020.1); c.4078-4881T>C (NM_001270521.2); c.4096-4881T>C (NM_015979.4); short protein forms I66V, I74V.
Identifiers: ClinVar variation 3372640 (VCV003372640.2).

ClinVar aggregate classification (germline): Uncertain significance. Review status: criteria provided, multiple submitters, no conflicts (2 of 4 stars). 2 submissions from 2 submitters: Uncertain significance (2). Last evaluated 2024-04-25.

gnomAD v4.1: 16 of 1,614,026 alleles (0.00099%); highest among the groups gnomAD compares: Non-Finnish European, 0.0014%; no homozygotes.

Submissions (2):

GeneDx
Classification: Uncertain significance. Last evaluated: 2024-04-25. Review status: criteria provided, single submitter. Criteria: GeneDx Variant Classification Process June 2021. Collection method: clinical testing. Allele origin: germline. Affected: yes.
Comment: Not observed at significant frequency in large population cohorts (gnomAD); In silico analysis indicates that this missense variant does not alter protein structure/function; Has not been previously published as pathogenic or benign to our knowledge

Mayo Clinic Laboratories, Mayo Clinic
Classification: Uncertain significance. Last evaluated: 2023-10-05. Review status: criteria provided, single submitter. Criteria: ACMG Guidelines, 2015. Collection method: clinical testing. Allele origin: germline. Observed: 1 variant allele.
Comment: BP4, PM2_moderate

Literature cited by the submitters: PubMed 29726057 (cited by Mayo Clinic Laboratories, Mayo Clinic).